The following is an entry in ClinVar:

NM_007272.3(CTRC):c.372C>T (p.Leu124=)

Gene: CTRC (chymotrypsin C; plus strand). Cytogenetic location: 1p36.21.
Variant type: single nucleotide variant.
Coding change: c.372C>T on transcript NM_007272.3 (MANE Select); coding-DNA position 372, C replaced by T.
Protein change: p.Leu124=; no amino-acid change (leucine 124 retained).
Molecular consequence: synonymous variant.
Genome position (GRCh38, 1-based): chr1:15,443,434, C>T. VCF-style: chr1-15443434-C-T. GRCh37 (hg19) VCF-style: chr1-15769929-C-T.
Identifiers: ClinVar variation 2916557 (VCV002916557.3), dbSNP rs1570784530, ClinGen allele CA338565931.

ClinVar aggregate classification (germline): Uncertain significance (1 of 4 stars; one submission).

Conditions:
Hereditary pancreatitis (PCTT). Also called: PRSS1-Related Hereditary Pancreatitis; Hereditary chronic pancreatitis. Identifiers: Orphanet 676, MedGen C0238339, MONDO:0008185, OMIM 167800.

Submission:

Labcorp Genetics (formerly Invitae), Labcorp
Classification: Uncertain significance for Hereditary pancreatitis. Last evaluated: 2023-03-13. Review status: criteria provided, single submitter. Criteria: Invitae Variant Classification Sherloc (09022015). Collection method: clinical testing. Allele origin: germline.
Comment: In summary, the available evidence is currently insufficient to determine the role of this variant in disease. Therefore, it has been classified as a Variant of Uncertain Significance. Algorithms developed to predict the effect of sequence changes on RNA splicing suggest that this variant may create or strengthen a splice site. This variant has not been reported in the literature in individuals affected with CTRC-related conditions. This variant is not present in population databases (gnomAD no frequency). This sequence change affects codon 124 of the CTRC mRNA. It is a 'silent' change, meaning that it does not change the encoded amino acid sequence of the CTRC protein.